The following is an entry in ClinVar:

NM_000222.3(KIT):c.1678_1728del (p.Val560_Leu576del)

Gene: KIT (KIT proto-oncogene, receptor tyrosine kinase; plus strand). Cytogenetic location: 4q12.
Variant type: Deletion.
Coding change: c.1678_1728del on transcript NM_000222.3 (MANE Select); coding-DNA positions 1678 to 1728, 51 bases deleted.
Protein change: p.Val560_Leu576del.
Molecular consequence: inframe deletion.
Genome position (GRCh38, 1-based): chr4:54,727,446-54,727,496, 51 bases deleted. GRCh37 (hg19): chr4:55,593,612-55,593,662.
Other names: c.1666_1716del, p.Val556_Leu572del (NM_001093772.2, NM_001385286.1); c.1681_1731del, p.Val561_Leu577del (NM_001385284.1, NM_001385290.1); c.1678_1728del, p.Val560_Leu576del (NM_001385285.1); c.1669_1719del, p.Val557_Leu573del (NM_001385288.1, NM_001385292.1).
Identifiers: ClinVar variation 523644 (VCV000523644.5), dbSNP rs1553891755, ClinGen allele CA645516864.

ClinVar aggregate classification (germline): Uncertain significance (1 of 4 stars; one submission).

Conditions:
Gastrointestinal stromal tumor. Also called: Gastrointestinal stromal tumor, somatic; Gastrointestinal stroma tumor. Identifiers: Orphanet 44890, MedGen C0238198, MeSH D046152, MONDO:0011719, OMIM 606764, HP:0100723.

Submission:

Molecular Diagnostics, Rajiv Gandhi Cancer Institute & Research Center
Classification: Uncertain significance for Gastrointestinal stromal tumor. Last evaluated: 2017-12-13. Review status: criteria provided, single submitter. Criteria: ACMG Guidelines, 2015. Collection method: clinical testing. Allele origin: somatic. Inheritance: Somatic mutation. Observed: 1 variant allele, 1 homozygote.
Comment: 1. Reduced response to sunitinib & shorter progression free survival (PFS). CIViC:Evidence EID4597 & CIViC:Evidence EID4598. Reference:-Pubmed ID: 26772734 and Pubmed ID: 18955458. 2. Improved response & PFS to Regorafenib. CIViC:Evidence EID4599, CIViC:Evidence EID4601 & CIViC:Evidence EID4601. Reference: Pubmed ID:23177515; Pubmed ID:22614970 and Pubmed ID:27371698.